The following is an entry in ClinVar:

NM_001160372.4(TRAPPC9):c.2086A>G (p.Arg696Gly)

Gene: TRAPPC9 (trafficking protein particle complex subunit 9; minus strand). Cytogenetic location: 8q24.3.
Variant type: single nucleotide variant.
Coding change: c.2086A>G on transcript NM_001160372.4 (MANE Select); coding-DNA position 2086, A replaced by G.
Protein change: p.Arg696Gly; replaces arginine 696 with glycine.
Molecular consequence: missense variant. On other transcripts: non-coding transcript variant (1).
Genome position (GRCh38, 1-based): chr8:140,283,917, T>C on the plus strand (A>G on the coding strand, the complement: TRAPPC9 is on the minus strand). VCF-style: chr8-140283917-T-C. GRCh37 (hg19) VCF-style: chr8-141294016-T-C.
Other names: c.2059A>G, p.Arg687Gly (NM_001321646.2); c.2107A>G, p.Arg703Gly (NM_001374682.1); c.2086A>G, p.Arg696Gly (NM_001374683.1, NM_031466.8); c.1942A>G, p.Arg648Gly (NM_001374684.1); short protein forms R648G, R687G, R696G, R703G.
Identifiers: ClinVar variation 3901344 (VCV003901344.1).

ClinVar aggregate classification (germline): Uncertain significance (1 of 4 stars; one submission).

gnomAD v4.1: 56 of 1,614,030 alleles (0.0035%); highest among the groups gnomAD compares: Non-Finnish European, 0.0047%; no homozygotes.

Submission:

GeneDx
Classification: Uncertain significance. Last evaluated: 2024-12-03. Review status: criteria provided, single submitter. Criteria: GeneDx Variant Classification Process June 2021. Collection method: clinical testing. Allele origin: germline. Affected: yes.
Comment: Not observed at significant frequency in large population cohorts (gnomAD); In silico analysis supports that this missense variant has a deleterious effect on protein structure/function; Has not been previously published as pathogenic or benign to our knowledge